The following is an entry in ClinVar:

ClinVar aggregate classification (germline): Uncertain significance (0 of 4 stars; one submission).

Conditions:
LMO7-related disorder. Also called: LMO7-related condition.

Allele frequency attached by ClinVar (database versions not stated): ExAC 0.00010; 1000 Genomes Project 30x 0.00016; 1000 Genomes Project 0.00020; ESP Exome Variant Server 0.00054.
gnomAD v4.1: 73 of 1,613,500 alleles (0.0045%); highest among the groups gnomAD compares: African/African-American, 0.092%; no homozygotes.

Submission:

PreventionGenetics, part of Exact Sciences
Classification: Uncertain significance for LMO7-related condition. Last evaluated: 2024-02-27. Review status: no assertion criteria provided. Collection method: clinical testing. Allele origin: germline.
Comment: The LMO7 c.656G>C variant is predicted to result in the amino acid substitution p.Arg219Pro. To our knowledge, this variant has not been reported in the literature. This variant is reported in 0.10% of alleles in individuals of African descent in gnomAD. Although we suspect that this variant may be benign, at this time, the clinical significance of this variant is uncertain due to the absence of conclusive functional and genetic evidence.

NM_001306080.2(LMO7):c.656G>C (p.Arg219Pro)

Gene: LMO7 (LIM domain 7; plus strand). Cytogenetic location: 13q22.2.
Variant type: single nucleotide variant.
Coding change: c.656G>C on transcript NM_001306080.2 (MANE Select); coding-DNA position 656, G replaced by C.
Protein change: p.Arg219Pro; replaces arginine 219 with proline.
Molecular consequence: missense variant. On other transcripts: 5 prime UTR variant (5).
Genome position (GRCh38, 1-based): chr13:75,800,877, G>C. VCF-style: chr13-75800877-G-C. GRCh37 (hg19) VCF-style: chr13-76375013-G-C.
Other names: c.-44G>C (NM_001330583.1, NM_001366632.2, NM_001366634.2 and 2 more transcripts); c.530G>C, p.Arg177Pro (NM_001366633.2); c.812G>C, p.Arg271Pro (NM_005358.5); short protein forms R177P, R219P, R271P.
Identifiers: ClinVar variation 3036921 (VCV003036921.2), dbSNP rs146713281, ClinGen allele CA7005334.